The following is an entry in ClinVar:

NM_000051.4(ATM):c.1483dup (p.Ile495fs)

Gene: ATM (ATM serine/threonine kinase; plus strand). Cytogenetic location: 11q22.3.
Variant type: Duplication.
Coding change: c.1483dup on transcript NM_000051.4 (MANE Select); coding-DNA position 1483, one base duplicated (A; older notation c.1483dupA).
Protein change: p.Ile495fs; shifts the reading frame from isoleucine 495.
Molecular consequence: frameshift variant.
Genome position (GRCh38, 1-based): chr11:108,250,948, A duplicated. VCF-style (leftmost placement, unchanged base first): chr11-108250947-T-TA. GRCh37 (hg19) VCF-style: chr11-108121674-T-TA.
Other names: c.1483dup, p.Ile495fs (NM_001351834.2); short protein forms I495fs.
Identifiers: ClinVar variation 1332024 (VCV001332024.7), dbSNP rs2135324290, ClinGen allele CA2573053396.

ClinVar aggregate classification (germline): Pathogenic. Review status: criteria provided, multiple submitters, no conflicts (2 of 4 stars). 2 submissions from 2 submitters: Pathogenic (2). Last evaluated 2024-02-05.

Conditions:
Ataxia-telangiectasia syndrome (AT). Also called: LOUIS-BAR SYNDROME; Cerebello-oculocutaneous telangiectasia; Immunodeficiency with ataxia telangiectasia; Ataxia-telangiectasia, complementation group D; AT, COMPLEMENTATION GROUP C; ATAXIA-TELANGIECTASIA, COMPLEMENTATION GROUP A. Identifiers: Orphanet 100, MedGen C0004135, MONDO:0008840, OMIM 208900.
Hereditary cancer-predisposing syndrome. Also called: Hereditary Cancer Syndrome; Hereditary neoplastic syndrome; Neoplastic Syndromes, Hereditary; Tumor predisposition. Identifiers: Orphanet 140162, MedGen C0027672, MeSH D009386, MONDO:0015356.

Submissions (2):

Labcorp Genetics (formerly Invitae), Labcorp
Classification: Pathogenic for Ataxia-telangiectasia syndrome. Last evaluated: 2024-02-05. Review status: criteria provided, single submitter. Criteria: Invitae Variant Classification Sherloc (09022015). Collection method: clinical testing. Allele origin: germline.
Comment: This sequence change creates a premature translational stop signal (p.Ile495Asnfs*4) in the ATM gene. It is expected to result in an absent or disrupted protein product. Loss-of-function variants in ATM are known to be pathogenic (PMID: 23807571, 25614872). This variant is not present in population databases (gnomAD no frequency). This variant has not been reported in the literature in individuals affected with ATM-related conditions. ClinVar contains an entry for this variant (Variation ID: 1332024). For these reasons, this variant has been classified as Pathogenic.

Color Diagnostics, LLC DBA Color Health
Classification: Pathogenic for Hereditary cancer-predisposing syndrome. Last evaluated: 2021-03-16. Review status: criteria provided, single submitter. Criteria: ACMG Guidelines, 2015. Collection method: clinical testing. Allele origin: germline.
Comment: This variant inserts 1 nucleotide in exon 10 of the ATM gene, creating a frameshift and premature translation stop signal. This variant is expected to result in an absent or non-functional protein product. To our knowledge, this variant has not been reported in individuals affected with hereditary cancer in the literature. This variant has not been identified in the general population by the Genome Aggregation Database (gnomAD). Loss of ATM function is a known mechanism of disease. Based on the available evidence, this variant is classified as Pathogenic.

Literature cited by the submitters: PubMed 23807571 (cited by Labcorp Genetics (formerly Invitae), Labcorp); PubMed 25614872 (cited by Labcorp Genetics (formerly Invitae), Labcorp).